The following is an entry in ClinVar:

ClinVar aggregate classification (germline): Uncertain significance. Review status: criteria provided, multiple submitters, no conflicts (2 of 4 stars). 2 submissions from 2 submitters: Uncertain significance (2). Last evaluated 2025-08-01.

Conditions:
Inborn genetic diseases. Identifiers: MedGen C0950123, MeSH D030342.

Allele frequency attached by ClinVar (database versions not stated): gnomAD exomes below 0.00001 and 0.00001; TOPMed 0.00001; ExAC 0.00002; ESP Exome Variant Server 0.00015.

Submissions (2):

Ambry Genetics
Classification: Uncertain significance for Inborn genetic diseases. Last evaluated: 2025-08-01. Review status: criteria provided, single submitter. Criteria: Ambry Variant Classification Scheme 2023. Collection method: clinical testing. Allele origin: germline.

Labcorp Genetics (formerly Invitae), Labcorp
Classification: Uncertain significance. Last evaluated: 2021-09-05. Review status: criteria provided, single submitter. Criteria: Invitae Variant Classification Sherloc (09022015). Collection method: clinical testing. Allele origin: germline.
Comment: In summary, the available evidence is currently insufficient to determine the role of this variant in disease. Therefore, it has been classified as a Variant of Uncertain Significance. Algorithms developed to predict the effect of missense changes on protein structure and function are either unavailable or do not agree on the potential impact of this missense change (SIFT: "Deleterious"; PolyPhen-2: "Benign"; Align-GVGD: "Class C55"). This variant has not been reported in the literature in individuals affected with NOG-related conditions. This variant is present in population databases (rs147499492, ExAC 0.02%). This sequence change replaces glycine with serine at codon 72 of the NOG protein (p.Gly72Ser). The glycine residue is highly conserved and there is a small physicochemical difference between glycine and serine.

NM_005450.6(NOG):c.214G>A (p.Gly72Ser)

Gene: NOG (noggin; plus strand). Cytogenetic location: 17q22.
Variant type: single nucleotide variant.
Coding change: c.214G>A on transcript NM_005450.6 (MANE Select); coding-DNA position 214, G replaced by A.
Protein change: p.Gly72Ser; replaces glycine 72 with serine.
Molecular consequence: missense variant.
Genome position (GRCh38, 1-based): chr17:56,594,437, G>A. VCF-style: chr17-56594437-G-A. GRCh37 (hg19) VCF-style: chr17-54671798-G-A.
Other names: c.214G>A (NM_005450.4); short protein forms G72S.
Identifiers: ClinVar variation 1483671 (VCV001483671.7), dbSNP rs147499492, ClinGen allele CA8663153.